The following is an entry in ClinVar:

ClinVar aggregate classification (germline): Uncertain significance (1 of 4 stars; one submission).

Conditions:
Intellectual developmental disorder, autosomal dominant 52. Also called: Intellectual disability, autosomal dominant 52; Mental retardation, autosomal dominant 52. Identifiers: MedGen C4540478, MONDO:0030918, OMIM 617796.

Submission:

Laboratorio de Genetica e Diagnostico Molecular, Hospital Israelita Albert Einstein
Classification: Uncertain significance for Intellectual developmental disorder, autosomal dominant 52. Last evaluated: 2024-04-24. Review status: criteria provided, single submitter. Criteria: ACMG Guidelines, 2015. Collection method: clinical testing. Allele origin: germline. Affected: yes.
Comment: ACMG classification criteria: PM2 moderate, PP2 supporting, BP4 supporting

NM_018489.3(ASH1L):c.5714A>C (p.Asn1905Thr)

Gene: ASH1L (ASH1 like histone lysine methyltransferase; minus strand). Cytogenetic location: 1q22.
Variant type: single nucleotide variant.
Coding change: c.5714A>C on transcript NM_018489.3 (MANE Select); coding-DNA position 5714, A replaced by C.
Protein change: p.Asn1905Thr; replaces asparagine 1905 with threonine.
Molecular consequence: missense variant.
Genome position (GRCh38, 1-based): chr1:155,438,441, T>G on the plus strand (A>C on the coding strand, the complement: ASH1L is on the minus strand). VCF-style: chr1-155438441-T-G. GRCh37 (hg19) VCF-style: chr1-155408232-T-G.
Other names: c.5714A>C, p.Asn1905Thr (NM_001366177.2); short protein forms N1905T.
Identifiers: ClinVar variation 3900996 (VCV003900996.1).
Genomic context (GRCh38, chr1:155,438,441, plus strand): 5'-GTCTGTTCTTCCAATAGCCAACCTTTTCTCTTCAACCCCTTTTTATGTTCTGGGTTCAGA[T>G]TTACACTCTGAACAACAGCCTCAATTACATCTGTAACTGTGTCAGGACTGAGGTGCAGTG-3'
Protein context (NP_060959.2, residues 1895-1915): DVIEAVVQSV[Asn1905Thr]LNPEHKKGLK